The following is an entry in ClinVar:

ClinVar aggregate classification (germline): Uncertain significance. Review status: criteria provided, multiple submitters, no conflicts (2 of 4 stars). 2 submissions from 2 submitters: Uncertain significance (2). Last evaluated 2025-03-25.

Conditions:
Inborn genetic diseases. Identifiers: MedGen C0950123, MeSH D030342.
Netherton syndrome (NETH). Also called: ERYTHRODERMA, ICHTHYOSIFORM, WITH HYPOTRICHOSIS AND HYPER-IgE; COMEL-NETHERTON SYNDROME; NETHERTON DISEASE. Identifiers: Orphanet 634, MedGen C5574950, MONDO:0009735, OMIM 256500.

Allele frequency attached by ClinVar (database versions not stated): gnomAD exomes below 0.00001 and 0.00001; gnomAD 0.00001; TOPMed 0.00002.
gnomAD v4.1: 6 of 1,613,956 alleles (0.00037%); highest among the groups gnomAD compares: Admixed American, 0.0017%; no homozygotes.

Submissions (2):

Ambry Genetics
Classification: Uncertain significance for Inborn genetic diseases. Last evaluated: 2025-03-25. Review status: criteria provided, single submitter. Criteria: Ambry Variant Classification Scheme 2023. Collection method: clinical testing. Allele origin: germline.

Baylor Genetics
Classification: Uncertain significance for Netherton syndrome. Last evaluated: 2018-10-31. Review status: criteria provided, single submitter. Criteria: ACMG Guidelines, 2015. Collection method: clinical testing. Allele origin: maternal. Affected: yes.
Comment: This variant was determined to be of uncertain significance according to ACMG Guidelines, 2015 [PMID:25741868].

NM_006846.4(SPINK5):c.1702A>G (p.Ser568Gly)

Gene: SPINK5 (serine peptidase inhibitor Kazal type 5; plus strand). Cytogenetic location: 5q32.
Variant type: single nucleotide variant.
Coding change: c.1702A>G on transcript NM_006846.4 (MANE Select); coding-DNA position 1702, A replaced by G.
Protein change: p.Ser568Gly; replaces serine 568 with glycine.
Molecular consequence: missense variant.
Genome position (GRCh38, 1-based): chr5:148,111,777, A>G. VCF-style: chr5-148111777-A-G. GRCh37 (hg19) VCF-style: chr5-147491340-A-G.
Other names: c.1702A>G, p.Ser568Gly (NM_001127698.2, NM_001127699.2); short protein forms S568G.
Identifiers: ClinVar variation 1032496 (VCV001032496.2), dbSNP rs1326725036, ClinGen allele CA361640471.